The following is an entry in ClinVar:

NM_002890.3(RASA1):c.578_581dup (p.Leu195fs)

Genes: CCNH (cyclin H; minus strand), RASA1 (RAS p21 protein activator 1; plus strand). Cytogenetic location: 5q14.3.
Variant type: Duplication.
Coding change: c.578_581dup on transcript NM_002890.3 (MANE Select); coding-DNA positions 578 to 581, 4 bases duplicated (AACG; older notation c.578_581dupAACG).
Protein change: p.Leu195fs; shifts the reading frame from leucine 195.
Molecular consequence: frameshift variant. On other transcripts: intron variant (1).
Genome position (GRCh38, 1-based): chr5:87,331,386-87,331,389, AACG duplicated; duplicating any 4 consecutive bases within chr5:87,331,385-87,331,389 gives the same sequence; the c. name uses the placement nearest the transcript's 3' end. VCF-style (leftmost placement, unchanged base first): chr5-87331384-A-AGAAC. GRCh37 (hg19) VCF-style: chr5-86627201-A-AGAAC.
Other names: c.47_50dup, p.Leu18fs (NM_022650.3); c.934-18593_934-18590dup (NM_001364075.2); short protein forms L18fs, L195fs.
Identifiers: ClinVar variation 854189 (VCV000854189.9), dbSNP rs1757588488, ClinGen allele CA916082733.

ClinVar aggregate classification (germline): Pathogenic (1 of 4 stars; one submission).

Conditions:
Capillary malformation-arteriovenous malformation syndrome. Also called: Capillary malformation-arteriovenous malformation. Identifiers: Orphanet 137667, MedGen C1842180, MONDO:0012016.

Submission:

Labcorp Genetics (formerly Invitae), Labcorp
Classification: Pathogenic for Capillary malformation-arteriovenous malformation syndrome. Last evaluated: 2024-11-16. Review status: criteria provided, single submitter. Criteria: Invitae Variant Classification Sherloc (09022015). Collection method: clinical testing. Allele origin: germline.
Comment: This sequence change creates a premature translational stop signal (p.Leu195Thrfs*17) in the RASA1 gene. It is expected to result in an absent or disrupted protein product. Loss-of-function variants in RASA1 are known to be pathogenic (PMID: 24038909). This variant is not present in population databases (gnomAD no frequency). This variant has not been reported in the literature in individuals affected with RASA1-related conditions. ClinVar contains an entry for this variant (Variation ID: 854189). For these reasons, this variant has been classified as Pathogenic.

Literature cited by the submitters: PubMed 24038909.